The following is an entry in ClinVar:

NM_000424.4(KRT5):c.156G>A (p.Ala52=)

Gene: KRT5 (keratin 5; minus strand). Cytogenetic location: 12q13.13.
Variant type: single nucleotide variant.
Coding change: c.156G>A on transcript NM_000424.4 (MANE Select); coding-DNA position 156, G replaced by A.
Protein change: p.Ala52=; no amino-acid change (alanine 52 retained).
Molecular consequence: synonymous variant.
Genome position (GRCh38, 1-based): chr12:52,520,141, C>T on the plus strand (G>A on the coding strand, the complement: KRT5 is on the minus strand). VCF-style: chr12-52520141-C-T. GRCh37 (hg19) VCF-style: chr12-52913925-C-T.
Identifiers: ClinVar variation 256041 (VCV000256041.15), dbSNP rs74093478, ClinGen allele CA6582904.

ClinVar aggregate classification (germline): Benign. Review status: criteria provided, multiple submitters, no conflicts (2 of 4 stars). 5 submissions from 5 submitters: Benign (5). Last evaluated 2026-02-03.

Conditions:
Epidermolysis bullosa simplex. Also called: Epidermolysis bullosa simplex, Weber-Cockayne type (subtype); Epidermolysis bullosa simplex, Dowling-Meara type (subtype); Epidermolysis bullosa simplex with mottled pigmentation (subtype). Identifiers: Orphanet 304, MedGen C0079298, MONDO:0017610.

Allele frequency attached by ClinVar (database versions not stated): TOPMed 0.01983; 1000 Genomes Project 0.02316; gnomAD exomes 0.01488; gnomAD 0.01559; ESP Exome Variant Server 0.01655; 1000 Genomes Project 30x 0.02498.

Submissions (6):

Labcorp Genetics (formerly Invitae), Labcorp
Classification: Benign. Last evaluated: 2026-02-03. Review status: criteria provided, single submitter. Criteria: Invitae Variant Classification Sherloc (09022015). Collection method: clinical testing. Allele origin: germline.

Illumina Laboratory Services, Illumina
Classification: Benign for Epidermolysis bullosa simplex. Last evaluated: 2018-01-13. Review status: criteria provided, single submitter. Criteria: ICSL Variant Classification Criteria 13 December 2019. Collection method: clinical testing. Allele origin: germline.
Comment: This variant was observed in the ICSL laboratory as part of a predisposition screen in an ostensibly healthy population. It had not been previously curated by ICSL or reported in the Human Gene Mutation Database (HGMD: prior to June 1st, 2018), and was therefore a candidate for classification through an automated scoring system. Utilizing variant allele frequency, disease prevalence and penetrance estimates, and inheritance mode, an automated score was calculated to assess if this variant is too frequent to cause the disease. Based on the score and internal cut-off values, a variant classified as benign is not then subjected to further curation. The score for this variant resulted in a classification of benign for this disease.

GeneDx
Classification: Benign. Last evaluated: 2017-12-27. Review status: criteria provided, single submitter. Criteria: GeneDx Variant Classification (06012015). Collection method: clinical testing. Allele origin: germline. Affected: yes.
Comment: This variant is considered likely benign or benign based on one or more of the following criteria: it is a conservative change, it occurs at a poorly conserved position in the protein, it is predicted to be benign by multiple in silico algorithms, and/or has population frequency not consistent with disease.

Breakthrough Genomics
Classification: Benign. Review status: criteria provided, single submitter. Criteria: ACMG Guidelines, 2015. Collection method: not provided. Allele origin: germline. Inheritance: Autosomal recessive inheritance. Affected: yes.

PreventionGenetics, part of Exact Sciences
Classification: Benign. Review status: criteria provided, single submitter. Criteria: ACMG Guidelines, 2015. Collection method: clinical testing. Allele origin: germline.

Dr. Peter K. Rogan Lab, Western University
No classification provided (evidence only). Condition: Clear cell carcinoma of kidney. Review status: no classification provided. Collection method: in vitro. Allele origin: not applicable. Functional consequence: retained intron. Not counted in ClinVar's aggregate classification.